The following is an entry in ClinVar:

ClinVar aggregate classification (germline): Uncertain significance (1 of 4 stars; one submission).

Submission:

Labcorp Genetics (formerly Invitae), Labcorp
Classification: Uncertain significance. Last evaluated: 2021-09-28. Review status: criteria provided, single submitter. Criteria: Invitae Variant Classification Sherloc (09022015). Collection method: clinical testing. Allele origin: germline.
Comment: This sequence change replaces arginine with glutamine at codon 115 of the PPP2CA protein (p.Arg115Gln). The arginine residue is highly conserved and there is a small physicochemical difference between arginine and glutamine. This variant is not present in population databases (ExAC no frequency). This variant has not been reported in the literature in individuals affected with PPP2CA-related conditions. Algorithms developed to predict the effect of missense changes on protein structure and function are either unavailable or do not agree on the potential impact of this missense change (SIFT: "Deleterious"; PolyPhen-2: "Probably Damaging"; Align-GVGD: "Class C0"). In summary, the available evidence is currently insufficient to determine the role of this variant in disease. Therefore, it has been classified as a Variant of Uncertain Significance.

NM_002715.4(PPP2CA):c.344G>A (p.Arg115Gln)

Gene: PPP2CA (protein phosphatase 2 catalytic subunit alpha; minus strand). Cytogenetic location: 5q31.1.
Variant type: single nucleotide variant.
Coding change: c.344G>A on transcript NM_002715.4 (MANE Select); coding-DNA position 344, G replaced by A.
Protein change: p.Arg115Gln; replaces arginine 115 with glutamine.
Molecular consequence: missense variant. On other transcripts: non-coding transcript variant (1).
Genome position (GRCh38, 1-based): chr5:134,201,990, C>T on the plus strand (G>A on the coding strand, the complement: PPP2CA is on the minus strand). VCF-style: chr5-134201990-C-T. GRCh37 (hg19) VCF-style: chr5-133537681-C-T.
Other names: c.149G>A, p.Arg50Gln (NM_001355019.2); short protein forms R50Q, R115Q.
Identifiers: ClinVar variation 1491501 (VCV001491501.6), dbSNP rs2149383425, ClinGen allele CA360993226.